The following is an entry in ClinVar:

ClinVar aggregate classification (germline): Uncertain significance. Review status: criteria provided, multiple submitters, no conflicts (2 of 4 stars). 4 submissions from 4 submitters: Uncertain significance (3). 1 of the submissions does not count toward it. Last evaluated 2023-09-27.

Conditions:
Autosomal recessive nonsyndromic hearing loss 2. Also called: NEUROSENSORY NONSYNDROMIC RECESSIVE DEAFNESS 2; DEAFNESS, AUTOSOMAL RECESSIVE 2. Identifiers: Orphanet 90636, MedGen C1838701, MONDO:0010807, OMIM 600060.
Usher syndrome type 1 (USH1). Also called: RETINITIS PIGMENTOSA AND CONGENITAL DEAFNESS. Identifiers: Orphanet 231169, Orphanet 886, MedGen C1568247, MONDO:0010168, OMIM 276900.

Allele frequency attached by ClinVar (database versions not stated): gnomAD exomes 0.00001 and 0.00002; TOPMed 0.00001; ExAC 0.00002.
gnomAD v4.1: 17 of 1,594,770 alleles (0.0011%); highest among the groups gnomAD compares: Non-Finnish European, 0.0015%; no homozygotes.

Submissions (4):

Blueprint Genetics
Classification: Uncertain significance. Last evaluated: 2023-09-27. Review status: criteria provided, single submitter. Criteria: ACMG Guidelines, 2015. Collection method: clinical testing. Allele origin: germline.

Labcorp Genetics (formerly Invitae), Labcorp
Classification: Uncertain significance. Last evaluated: 2023-08-19. Review status: criteria provided, single submitter. Criteria: Invitae Variant Classification Sherloc (09022015). Collection method: clinical testing. Allele origin: germline.
Comment: This variant is present in population databases (rs782465732, gnomAD 0.002%). This sequence change replaces leucine, which is neutral and non-polar, with valine, which is neutral and non-polar, at codon 1151 of the MYO7A protein (p.Leu1151Val). This variant has not been reported in the literature in individuals affected with MYO7A-related conditions. In summary, the available evidence is currently insufficient to determine the role of this variant in disease. Therefore, it has been classified as a Variant of Uncertain Significance. Advanced modeling of protein sequence and biophysical properties (such as structural, functional, and spatial information, amino acid conservation, physicochemical variation, residue mobility, and thermodynamic stability) performed at Invitae indicates that this missense variant is expected to disrupt MYO7A protein function. ClinVar contains an entry for this variant (Variation ID: 229011).

Laboratory for Molecular Medicine, Mass General Brigham Personalized Medicine
Classification: Uncertain significance. Last evaluated: 2016-03-29. Review status: criteria provided, single submitter. Criteria: LMM Criteria. Collection method: clinical testing. Allele origin: germline. Observed: 2 variant alleles.
Comment: Variant classified as Uncertain Significance - Favor Benign. The p.Leu1151Val va riant in MYO7A has been reported in trans with a likely pathogenic variant in on e individual with hearing loss and one unaffected sibling. This variant has been identified in 1/24050 European chromosomes by the Exome Aggregation Consortium (ExAC). Although this variant has been seen in t he general population, its frequency is not high enough to rule out a pathogenic role. Computational prediction tools and conservation analyses suggest that the p.Leu1151Val variant may impact the protein, though this information is not pre dictive enough to determine pathogenicity. While the clinical significance of th e p.Leu1151Val variant is uncertain, it is likely to be benign because it is lik ely in trans with a likely pathogenic variant in MYO7 in a reportedly unaffected individual.

Counsyl
Classification: Uncertain significance for Usher syndrome type 1; Autosomal recessive nonsyndromic hearing loss 2. Last evaluated: 2017-03-21. Review status: no assertion criteria provided. Collection method: clinical testing. Allele origin: unknown. Not counted in ClinVar's aggregate classification.

NM_000260.4(MYO7A):c.3451C>G (p.Leu1151Val)

Gene: MYO7A (myosin VIIA; plus strand). Cytogenetic location: 11q13.5.
Variant type: single nucleotide variant.
Coding change: c.3451C>G on transcript NM_000260.4 (MANE Select); coding-DNA position 3451, C replaced by G.
Protein change: p.Leu1151Val; replaces leucine 1151 with valine.
Molecular consequence: missense variant.
Genome position (GRCh38, 1-based): chr11:77,184,663, C>G. VCF-style: chr11-77184663-C-G. GRCh37 (hg19) VCF-style: chr11-76895708-C-G.
Other names: NM_001127179.2:c.3451C>G; c.3451C>G, p.Leu1151Val (NM_001127180.2); c.3418C>G, p.Leu1140Val (NM_001369365.1); short protein forms L1151V, L1140V.
Identifiers: ClinVar variation 229011 (VCV000229011.10), dbSNP rs782465732, ClinGen allele CA6198065.